The following is an entry in ClinVar:

ClinVar aggregate classification (germline): Uncertain significance (1 of 4 stars; one submission).

Conditions:
Familial thoracic aortic aneurysm and aortic dissection (TAAD). Also called: Thoracic aortic aneurysms and dissections. Identifiers: Orphanet 91387, MedGen C4707243, MONDO:0019625.

gnomAD v4.1: 1 of 1,614,188 alleles (0.000062%); highest among the groups gnomAD compares: South Asian, 0.0011%; no homozygotes.

Submission:

Ambry Genetics
Classification: Uncertain significance for Familial thoracic aortic aneurysm and aortic dissection. Last evaluated: 2025-02-06. Review status: criteria provided, single submitter. Criteria: Ambry Variant Classification Scheme 2023. Collection method: clinical testing. Allele origin: germline.
Comment: The p.V61M variant (also known as c.181G>A), located in coding exon 1 of the TGFB3 gene, results from a G to A substitution at nucleotide position 181. The valine at codon 61 is replaced by methionine, an amino acid with highly similar properties. This amino acid position is conserved. In addition, this alteration is predicted to be tolerated by in silico analysis. Based on the available evidence, the clinical significance of this variant remains unclear.

NM_003239.5(TGFB3):c.181G>A (p.Val61Met)

Gene: TGFB3 (transforming growth factor beta 3; minus strand). Cytogenetic location: 14q24.3.
Variant type: single nucleotide variant.
Coding change: c.181G>A on transcript NM_003239.5 (MANE Select); coding-DNA position 181, G replaced by A.
Protein change: p.Val61Met; replaces valine 61 with methionine.
Molecular consequence: missense variant.
Genome position (GRCh38, 1-based): chr14:75,980,713, C>T on the plus strand (G>A on the coding strand, the complement: TGFB3 is on the minus strand). VCF-style: chr14-75980713-C-T. GRCh37 (hg19) VCF-style: chr14-76447056-C-T.
Other names: c.181G>A, p.Val61Met (NM_001329938.2, NM_001329939.2); short protein forms V61M.
Identifiers: ClinVar variation 3806408 (VCV003806408.1).